The following is an entry in ClinVar:

NM_002691.4(POLD1):c.1476C>G (p.Ser492Arg)

Gene: POLD1 (DNA polymerase delta 1, catalytic subunit; plus strand). Cytogenetic location: 19q13.33.
Variant type: single nucleotide variant.
Coding change: c.1476C>G on transcript NM_002691.4 (MANE Select); coding-DNA position 1476, C replaced by G.
Protein change: p.Ser492Arg; replaces serine 492 with arginine.
Molecular consequence: missense variant. On other transcripts: non-coding transcript variant (1).
Genome position (GRCh38, 1-based): chr19:50,406,499, C>G. VCF-style: chr19-50406499-C-G. GRCh37 (hg19) VCF-style: chr19-50909756-C-G.
Other names: c.1476C>G, p.Ser492Arg (NM_001256849.1, NM_001308632.1); short protein forms S492R.
Identifiers: ClinVar variation 576833 (VCV000576833.12), dbSNP rs1568626807, ClinGen allele CA406980292.
Genomic context (GRCh38, chr19:50,406,499, plus strand): 5'-CACGCTCAATGCCGTGAGCTTCCACTTCCTGGGCGAGCAGAAGGAGGACGTGCAGCACAG[C>G]ATCATCACCGACCTGCAGGTGCCTGCTGCCTCCCTGACCTCTCACCCCAACCTCTGACCT-3'
Protein context (NP_002682.2, residues 482-502): LGEQKEDVQH[Ser492Arg]IITDLQNGND

ClinVar aggregate classification (germline): Uncertain significance. Review status: criteria provided, multiple submitters, no conflicts (2 of 4 stars). 2 submissions from 2 submitters: Uncertain significance (2). Last evaluated 2025-07-28.

Conditions:
POLD1-related polyposis and colorectal cancer syndrome (CRCS10). Also called: Colorectal cancer 10; COLORECTAL CANCER, SUSCEPTIBILITY TO, ON CHROMOSOME 19q; Colorectal cancer, susceptibility to, 10. Identifiers: Orphanet 220460, MedGen C2675481, MONDO:0012953, OMIM 612591.
Hereditary cancer-predisposing syndrome. Also called: Tumor predisposition; Neoplastic Syndromes, Hereditary; Hereditary Cancer Syndrome; Hereditary neoplastic syndrome. Identifiers: Orphanet 140162, MedGen C0027672, MeSH D009386, MONDO:0015356.

Submissions (2):

Labcorp Genetics (formerly Invitae), Labcorp
Classification: Uncertain significance for POLD1-related polyposis and colorectal cancer syndrome. Last evaluated: 2025-07-28. Review status: criteria provided, single submitter. Criteria: Invitae Variant Classification Sherloc (09022015). Collection method: clinical testing. Allele origin: germline.
Comment: This sequence change replaces serine, which is neutral and polar, with arginine, which is basic and polar, at codon 492 of the POLD1 protein (p.Ser492Arg). This variant is not present in population databases (gnomAD no frequency). This variant has not been reported in the literature in individuals affected with POLD1-related conditions. ClinVar contains an entry for this variant (Variation ID: 576833). Invitae Evidence Modeling of protein sequence and biophysical properties (such as structural, functional, and spatial information, amino acid conservation, physicochemical variation, residue mobility, and thermodynamic stability) indicates that this missense variant is not expected to disrupt POLD1 protein function with a negative predictive value of 80%. In summary, the available evidence is currently insufficient to determine the role of this variant in disease. Therefore, it has been classified as a Variant of Uncertain Significance.

Ambry Genetics
Classification: Uncertain significance for Hereditary cancer-predisposing syndrome. Last evaluated: 2024-05-09. Review status: criteria provided, single submitter. Criteria: Ambry Variant Classification Scheme 2023. Collection method: clinical testing. Allele origin: germline.
Comment: The p.S492R variant (also known as c.1476C>G), located in coding exon 11 of the POLD1 gene, results from a C to G substitution at nucleotide position 1476. The serine at codon 492 is replaced by arginine, an amino acid with dissimilar properties. This amino acid position is conserved. In addition, the in silico prediction for this alteration is inconclusive. Since supporting evidence is limited at this time, the clinical significance of this alteration remains unclear.